The following is an entry in ClinVar:

ClinVar aggregate classification (germline): Uncertain significance (1 of 4 stars; one submission).

Conditions:
Brown-Vialetto-van Laere syndrome 2. Also called: Riboflavin transporter deficiency type 2; SPINOCEREBELLAR ATAXIA WITH BLINDNESS AND DEAFNESS 2. Identifiers: Orphanet 572543, Orphanet 97229, MedGen C3553538, MONDO:0013867, OMIM 614707.

Allele frequency attached by ClinVar (database versions not stated): gnomAD 0.00001; gnomAD exomes below 0.00001; TOPMed 0.00001.
gnomAD v4.1: 8 of 1,603,484 alleles (0.0005%); highest among the groups gnomAD compares: Non-Finnish European, 0.00059%; no homozygotes.

Submission:

Labcorp Genetics (formerly Invitae), Labcorp
Classification: Uncertain significance for Brown-Vialetto-van Laere syndrome 2. Last evaluated: 2021-11-30. Review status: criteria provided, single submitter. Criteria: Invitae Variant Classification Sherloc (09022015). Collection method: clinical testing. Allele origin: germline.
Comment: In summary, the available evidence is currently insufficient to determine the role of this variant in disease. Therefore, it has been classified as a Variant of Uncertain Significance. Advanced modeling of protein sequence and biophysical properties (such as structural, functional, and spatial information, amino acid conservation, physicochemical variation, residue mobility, and thermodynamic stability) performed at Invitae indicates that this missense variant is not expected to disrupt SLC52A2 protein function. This variant has not been reported in the literature in individuals affected with SLC52A2-related conditions. This variant is present in population databases (no rsID available, gnomAD 0.0009%). This sequence change replaces leucine, which is neutral and non-polar, with valine, which is neutral and non-polar, at codon 344 of the SLC52A2 protein (p.Leu344Val).

NM_001363118.2(SLC52A2):c.1030C>G (p.Leu344Val)

Gene: SLC52A2 (solute carrier family 52 member 2; plus strand). Cytogenetic location: 8q24.3.
Variant type: single nucleotide variant.
Coding change: c.1030C>G on transcript NM_001363118.2 (MANE Select); coding-DNA position 1030, C replaced by G.
Protein change: p.Leu344Val; replaces leucine 344 with valine.
Molecular consequence: missense variant. On other transcripts: non-coding transcript variant (1).
Genome position (GRCh38, 1-based): chr8:144,360,618, C>G. VCF-style: chr8-144360618-C-G. GRCh37 (hg19) VCF-style: chr8-145584278-C-G.
Other names: c.1030C>G, p.Leu344Val (NM_001253815.2, NM_001253816.2, NM_001363120.2 and 2 more transcripts); c.538C>G, p.Leu180Val (NM_001363122.2); short protein forms L344V, L180V.
Identifiers: ClinVar variation 1491879 (VCV001491879.6), dbSNP rs1301622384, ClinGen allele CA372628883.